The following is an entry in ClinVar:

NM_000540.3(RYR1):c.7744A>C (p.Met2582Leu)

Gene: RYR1 (ryanodine receptor 1; plus strand). Cytogenetic location: 19q13.2.
Variant type: single nucleotide variant.
Coding change: c.7744A>C on transcript NM_000540.3 (MANE Select); coding-DNA position 7744, A replaced by C.
Protein change: p.Met2582Leu; replaces methionine 2582 with leucine.
Molecular consequence: missense variant.
Genome position (GRCh38, 1-based): chr19:38,502,636, A>C. VCF-style: chr19-38502636-A-C. GRCh37 (hg19) VCF-style: chr19-38993276-A-C.
Other names: c.7744A>C, p.Met2582Leu (NM_001042723.2); short protein forms M2582L.
Identifiers: ClinVar variation 5028643 (VCV005028643.1).
Genomic context (GRCh38, chr19:38,502,636, plus strand): 5'-ATCACCAAGTGTGCGCCGCTCTTTGCGGGCACAGAACACCGCGCCATCATGGTGGACTCT[A>C]TGCTGCATACCGTGTACCGCCTGTCTCGGGGTCGTTCGCTCACCAAGGCGCAGCGTGACG-3'
Protein context (NP_000531.2, residues 2572-2592): TEHRAIMVDS[Met2582Leu]LHTVYRLSRG

ClinVar aggregate classification (germline): Uncertain significance (1 of 4 stars; one submission).

Conditions:
Inborn genetic diseases. Identifiers: MedGen C0950123, MeSH D030342.

Submission:

Ambry Genetics
Classification: Uncertain significance for Inborn genetic diseases. Last evaluated: 2026-07-07. Review status: criteria provided, single submitter. Criteria: Ambry Variant Classification Scheme 2023. Collection method: clinical testing. Allele origin: germline.
Comment: The p.M2582L variant (also known as c.7744A>C), located in coding exon 48 of the RYR1 gene, results from an A to C substitution at nucleotide position 7744. The methionine at codon 2582 is replaced by leucine, an amino acid with highly similar properties. This amino acid position is conserved. In addition, the in silico prediction for this alteration is inconclusive. Based on the available evidence, the clinical significance of this variant remains unclear.